The following is an entry in ClinVar:

NM_004836.7(EIF2AK3):c.767+15A>G

Gene: EIF2AK3 (eukaryotic translation initiation factor 2 alpha kinase 3; minus strand). Cytogenetic location: 2p11.2.
Variant type: single nucleotide variant.
Coding change: c.767+15A>G on transcript NM_004836.7 (MANE Select); 15 bases into the intron after coding-DNA position 767, A replaced by G.
Molecular consequence: intron variant.
Genome position (GRCh38, 1-based): chr2:88,593,257, T>C on the plus strand (A>G on the coding strand, the complement: EIF2AK3 is on the minus strand). VCF-style: chr2-88593257-T-C. GRCh37 (hg19) VCF-style: chr2-88892775-T-C.
Other names: c.314+15A>G (NM_001313915.2).
Identifiers: ClinVar variation 2020776 (VCV002020776.1), dbSNP rs2529177477, ClinGen allele CA2580068289.

ClinVar aggregate classification (germline): Uncertain significance (1 of 4 stars; one submission).

Submission:

Labcorp Genetics (formerly Invitae), Labcorp
Classification: Uncertain significance. Last evaluated: 2022-07-30. Review status: criteria provided, single submitter. Criteria: Invitae Variant Classification Sherloc (09022015). Collection method: clinical testing. Allele origin: germline.
Comment: This sequence change falls in intron 4 of the EIF2AK3 gene. It does not directly change the encoded amino acid sequence of the EIF2AK3 protein. This variant is not present in population databases (gnomAD no frequency). This variant has not been reported in the literature in individuals affected with EIF2AK3-related conditions. Algorithms developed to predict the effect of sequence changes on RNA splicing suggest that this variant may create or strengthen a splice site. In summary, the available evidence is currently insufficient to determine the role of this variant in disease. Therefore, it has been classified as a Variant of Uncertain Significance.